The following is an entry in ClinVar:

NM_014008.5(CCDC22):c.1820G>A (p.Arg607Gln)

Gene: CCDC22 (coiled-coil domain containing 22; plus strand). Cytogenetic location: Xp11.23.
Variant type: single nucleotide variant.
Coding change: c.1820G>A on transcript NM_014008.5 (MANE Select); coding-DNA position 1820, G replaced by A.
Protein change: p.Arg607Gln; replaces arginine 607 with glutamine.
Molecular consequence: missense variant.
Genome position (GRCh38, 1-based): chrX:49,250,197, G>A. VCF-style: chrX-49250197-G-A. GRCh37 (hg19) VCF-style: chrX-49106658-G-A.
Other names: short protein forms R607Q.
Identifiers: ClinVar variation 3353233 (VCV003353233.1).
Genomic context (GRCh38, chrX:49,250,197, plus strand): 5'-CATTGCCTCAGATCGAGACAGAGCTGGGCAAGAAGACCCTCAGCAACCTGGAGAAGATCC[G>A]GGAGGACTACCGAGCCCTCCGCCAGGAGAACGCTGGCCTCCTAGGCCGGGTCCGGGAGGC-3'
Protein context (NP_054727.1, residues 597-617): KKTLSNLEKI[Arg607Gln]EDYRALRQEN

ClinVar aggregate classification (germline): Uncertain significance (0 of 4 stars; one submission).

Conditions:
CCDC22-related disorder. Also called: CCDC22-related condition.

gnomAD v4.1: 2 of 1,166,217 alleles (0.00017%); highest among the groups gnomAD compares: Non-Finnish European, 0.00023%; no homozygotes.

Submission:

PreventionGenetics, part of Exact Sciences
Classification: Uncertain significance for CCDC22-related condition. Last evaluated: 2024-05-08. Review status: no assertion criteria provided. Collection method: clinical testing. Allele origin: germline.
Comment: The CCDC22 c.1820G>A variant is predicted to result in the amino acid substitution p.Arg607Gln. This variant was reported in a fetus with congenital heart disease of single atria and single ventricle (Li et al. 2023. PubMed ID: 37980516). This variant is reported in 0.0023% of alleles in individuals of European (Non-Finnish) descent in gnomAD. At this time, the clinical significance of this variant is uncertain due to the absence of conclusive functional and genetic evidence.